The following is an entry in ClinVar:

NM_006734.4(HIVEP2):c.3960G>A (p.Ser1320=)

Gene: HIVEP2 (HIVEP zinc finger 2; minus strand). Cytogenetic location: 6q24.2.
Variant type: single nucleotide variant.
Coding change: c.3960G>A on transcript NM_006734.4 (MANE Select); coding-DNA position 3960, G replaced by A.
Protein change: p.Ser1320=; no amino-acid change (serine 1320 retained).
Molecular consequence: synonymous variant.
Genome position (GRCh38, 1-based): chr6:142,770,779, C>T on the plus strand (G>A on the coding strand, the complement: HIVEP2 is on the minus strand). VCF-style: chr6-142770779-C-T. GRCh37 (hg19) VCF-style: chr6-143091916-C-T.
Other names: c.3960G>A (NM_006734.3).
Identifiers: ClinVar variation 2876403 (VCV002876403.5), dbSNP rs369511878, ClinGen allele CA149015331.

ClinVar aggregate classification (germline): Benign. Review status: criteria provided, single submitter (1 of 4 stars). 2 submissions from 2 submitters: Benign (1). 1 of the submissions does not count toward it. Last evaluated 2024-01-17.

Conditions:
HIVEP2-related disorder. Also called: HIVEP2-related condition.

Allele frequency attached by ClinVar (database versions not stated): gnomAD 0.00007; TOPMed 0.00007.
gnomAD v4.1: 62 of 1,614,040 alleles (0.0038%); highest among the groups gnomAD compares: African/African-American, 0.017%; no homozygotes.

Submissions (2):

Labcorp Genetics (formerly Invitae), Labcorp
Classification: Benign. Last evaluated: 2024-01-17. Review status: criteria provided, single submitter. Criteria: Invitae Variant Classification Sherloc (09022015). Collection method: clinical testing. Allele origin: germline.

PreventionGenetics, part of Exact Sciences
Classification: Likely benign for HIVEP2-related condition. Last evaluated: 2019-08-28. Review status: no assertion criteria provided. Collection method: clinical testing. Allele origin: germline. Not counted in ClinVar's aggregate classification.
Comment: This variant is classified as likely benign based on ACMG/AMP sequence variant interpretation guidelines (Richards et al. 2015 PMID: 25741868, with internal and published modifications).